The following is an entry in ClinVar:

ClinVar aggregate classification (germline): Uncertain significance (1 of 4 stars; one submission).

Conditions:
Hereditary cancer-predisposing syndrome. Also called: Hereditary Cancer Syndrome; Hereditary neoplastic syndrome; Neoplastic Syndromes, Hereditary; Tumor predisposition. Identifiers: Orphanet 140162, MedGen C0027672, MeSH D009386, MONDO:0015356.

Allele frequency attached by ClinVar (database versions not stated): TOPMed below 0.00001.
gnomAD v4.1: 4 of 1,614,148 alleles (0.00025%); highest among the groups gnomAD compares: Admixed American, 0.0067%; no homozygotes.

Submission:

Ambry Genetics
Classification: Uncertain significance for Hereditary cancer-predisposing syndrome. Last evaluated: 2021-07-04. Review status: criteria provided, single submitter. Criteria: Ambry Variant Classification Scheme 2023. Collection method: clinical testing. Allele origin: germline.
Comment: The p.D1954V variant (also known as c.5861A>T), located in coding exon 43 of the POLE gene, results from an A to T substitution at nucleotide position 5861. The aspartic acid at codon 1954 is replaced by valine, an amino acid with highly dissimilar properties. This amino acid position is conserved. In addition, this alteration is predicted to be tolerated by in silico analysis. Since supporting evidence is limited at this time, the clinical significance of this alteration remains unclear.

NM_006231.4(POLE):c.5861A>T (p.Asp1954Val)

Gene: POLE (DNA polymerase epsilon, catalytic subunit; minus strand). Cytogenetic location: 12q24.33.
Variant type: single nucleotide variant.
Coding change: c.5861A>T on transcript NM_006231.4 (MANE Select); coding-DNA position 5861, A replaced by T.
Protein change: p.Asp1954Val; replaces aspartic acid 1954 with valine.
Molecular consequence: missense variant.
Genome position (GRCh38, 1-based): chr12:132,634,329, T>A on the plus strand (A>T on the coding strand, the complement: POLE is on the minus strand). VCF-style: chr12-132634329-T-A. GRCh37 (hg19) VCF-style: chr12-133210915-T-A.
Other names: short protein forms D1954V.
Identifiers: ClinVar variation 1750147 (VCV001750147.2), dbSNP rs1239508295, ClinGen allele CA387371744.